The following is an entry in ClinVar:

ClinVar aggregate classification (germline): Uncertain significance (1 of 4 stars; one submission).

Conditions:
Shprintzen-Goldberg syndrome (SGS). Also called: Marfanoid disorder with craniosynostosis type 1; Marfanoid craniosynostosis syndrome; Shprintzen-Goldberg marfanoid syndrome; SHPRINTZEN-GOLDBERG CRANIOSYNOSTOSIS SYNDROME; CRANIOSYNOSTOSIS WITH ARACHNODACTYLY AND ABDOMINAL HERNIAS. Identifiers: Orphanet 2462, MedGen C1321551, MONDO:0008426, OMIM 182212.

Submission:

Labcorp Genetics (formerly Invitae), Labcorp
Classification: Uncertain significance for Shprintzen-Goldberg syndrome. Last evaluated: 2025-12-15. Review status: criteria provided, single submitter. Criteria: Invitae Variant Classification Sherloc (09022015). Collection method: clinical testing. Allele origin: germline.
Comment: This sequence change replaces glutamic acid, which is acidic and polar, with glutamine, which is neutral and polar, at codon 69 of the SKI protein (p.Glu69Gln). This variant is not present in population databases (gnomAD no frequency). This variant has not been reported in the literature in individuals affected with SKI-related conditions. ClinVar contains an entry for this variant (Variation ID: 2143712). Invitae Evidence Modeling of protein sequence and biophysical properties (such as structural, functional, and spatial information, amino acid conservation, physicochemical variation, residue mobility, and thermodynamic stability) indicates that this missense variant is not expected to disrupt SKI protein function with a negative predictive value of 95%. In summary, the available evidence is currently insufficient to determine the role of this variant in disease. Therefore, it has been classified as a Variant of Uncertain Significance.

NM_003036.4(SKI):c.205G>C (p.Glu69Gln)

Gene: SKI (SKI proto-oncogene; plus strand). Cytogenetic location: 1p36.33.
Variant type: single nucleotide variant.
Coding change: c.205G>C on transcript NM_003036.4 (MANE Select); coding-DNA position 205, G replaced by C.
Protein change: p.Glu69Gln; replaces glutamic acid 69 with glutamine.
Molecular consequence: missense variant.
Genome position (GRCh38, 1-based): chr1:2,228,971, G>C. VCF-style: chr1-2228971-G-C. GRCh37 (hg19) VCF-style: chr1-2160410-G-C.
Other names: short protein forms E69Q.
Identifiers: ClinVar variation 2143712 (VCV002143712.4), dbSNP rs1280160699, ClinGen allele CA337952309.